The following is an entry in ClinVar:

ClinVar aggregate classification (germline): Uncertain significance. Review status: criteria provided, multiple submitters, no conflicts (2 of 4 stars). 2 submissions from 2 submitters: Uncertain significance (2). Last evaluated 2025-09-25.

Conditions:
RP1L1-related disorder. Also called: RP1L1-related condition.
Inborn genetic diseases. Identifiers: MedGen C0950123, MeSH D030342.

Submissions (2):

Ambry Genetics
Classification: Uncertain significance for Inborn genetic diseases. Last evaluated: 2025-09-25. Review status: criteria provided, single submitter. Criteria: Ambry Variant Classification Scheme 2023. Collection method: clinical testing. Allele origin: germline.

PreventionGenetics, part of Exact Sciences
Classification: Uncertain significance for RP1L1-related condition. Last evaluated: 2025-02-17. Review status: criteria provided, single submitter. Criteria: ACMG Guidelines, 2015. Collection method: clinical testing. Allele origin: germline.
Comment: The RP1L1 c.877C>A variant is predicted to result in the amino acid substitution p.Pro293Thr. To our knowledge, this variant has not been reported in the literature. This variant is reported in 0.0063% of alleles in individuals of European (Non-Finnish) descent in gnomAD. At this time, the clinical significance of this variant is uncertain due to the absence of conclusive functional and genetic evidence.

NM_178857.6(RP1L1):c.877C>A (p.Pro293Thr)

Gene: RP1L1 (RP1 like 1). Cytogenetic location: 8p23.1.
Variant type: single nucleotide variant.
Coding change: c.877C>A on transcript NM_178857.6 (MANE Select); coding-DNA position 877, C replaced by A.
Protein change: p.Pro293Thr; replaces proline 293 with threonine.
Molecular consequence: missense variant.
Genome position (GRCh38, 1-based): chr8:10,613,221, G>T on the plus strand (C>A on the coding strand, the complement: RP1L1 is on the minus strand). VCF-style: chr8-10613221-G-T. GRCh37 (hg19) VCF-style: chr8-10470731-G-T.
Other names: short protein forms P293T.
Identifiers: ClinVar variation 4629350 (VCV004629350.2).